The following is an entry in ClinVar:

NM_198576.4(AGRN):c.538G>C (p.Gly180Arg)

Gene: AGRN (agrin; plus strand). Cytogenetic location: 1p36.33.
Variant type: single nucleotide variant.
Coding change: c.538G>C on transcript NM_198576.4 (MANE Select); coding-DNA position 538, G replaced by C.
Protein change: p.Gly180Arg; replaces glycine 180 with arginine.
Molecular consequence: missense variant.
Genome position (GRCh38, 1-based): chr1:1,040,691, G>C. VCF-style: chr1-1040691-G-C. GRCh37 (hg19) VCF-style: chr1-976071-G-C.
Other names: c.538G>C, p.Gly180Arg (NM_001305275.2); c.223G>C, p.Gly75Arg (NM_001364727.2); short protein forms G180R, G75R.
Identifiers: ClinVar variation 1945430 (VCV001945430.5), dbSNP rs1644905784, ClinGen allele CA337821603.

ClinVar aggregate classification (germline): Uncertain significance (1 of 4 stars; one submission).

Conditions:
Congenital myasthenic syndrome 8. Also called: Myasthenic syndrome, congenital, 8, with pre- and postsynaptic defects; MYASTHENIC SYNDROME, CONGENITAL, DUE TO AGRIN DEFICIENCY. Identifiers: Orphanet 590, MedGen C3808739, MONDO:0014052, OMIM 615120.

Allele frequency attached by ClinVar (database versions not stated): TOPMed below 0.00001.

Submission:

Labcorp Genetics (formerly Invitae), Labcorp
Classification: Uncertain significance for Congenital myasthenic syndrome 8. Last evaluated: 2022-08-10. Review status: criteria provided, single submitter. Criteria: Invitae Variant Classification Sherloc (09022015). Collection method: clinical testing. Allele origin: germline.
Comment: This variant is not present in population databases (gnomAD no frequency). In summary, the available evidence is currently insufficient to determine the role of this variant in disease. Therefore, it has been classified as a Variant of Uncertain Significance. Algorithms developed to predict the effect of missense changes on protein structure and function are either unavailable or do not agree on the potential impact of this missense change (SIFT: "Deleterious"; PolyPhen-2: "Probably Damaging"; Align-GVGD: "Class C0"). This variant has not been reported in the literature in individuals affected with AGRN-related conditions. This sequence change replaces glycine, which is neutral and non-polar, with arginine, which is basic and polar, at codon 180 of the AGRN protein (p.Gly180Arg).